The following is an entry in ClinVar:

ClinVar aggregate classification (germline): Likely pathogenic (0 of 4 stars; one submission).

Conditions:
Epileptic encephalopathy. Identifiers: MedGen C0543888, HP:0200134.

Submission:

Lupski Lab, Baylor-Hopkins CMG, Baylor College of Medicine
Classification: Likely pathogenic for Epileptic encephalopathy. Last evaluated: 2019-06-12. Review status: no assertion criteria provided. Collection method: research. Allele origin: inherited. Inheritance: Autosomal recessive inheritance. Affected: yes. Observed: 1 homozygote.

NM_006030.4(CACNA2D2):c.1778G>C (p.Arg593Pro)

Gene: CACNA2D2 (calcium voltage-gated channel auxiliary subunit alpha2delta 2; minus strand). Cytogenetic location: 3p21.31.
Variant type: single nucleotide variant.
Coding change: c.1778G>C on transcript NM_006030.4 (MANE Select); coding-DNA position 1778, G replaced by C.
Protein change: p.Arg593Pro; replaces arginine 593 with proline.
Molecular consequence: missense variant.
Genome position (GRCh38, 1-based): chr3:50,375,876, C>G on the plus strand (G>C on the coding strand, the complement: CACNA2D2 is on the minus strand). VCF-style: chr3-50375876-C-G. GRCh37 (hg19) VCF-style: chr3-50413307-C-G.
Other names: c.1778G>C, p.Arg593Pro (NM_001005505.3, NM_001174051.3); c.1571G>C, p.Arg524Pro (NM_001291101.1); short protein forms R593P, R524P.
Identifiers: ClinVar variation 635009 (VCV000635009.2), dbSNP rs1485894376, ClinGen allele CA352924536.
Genomic context (GRCh38, chr3:50,375,876, plus strand): 5'-AGGGACTTGACCAACGTTCTGATCTGCTTGTGGCCCTTGTTGCCATCAATCATGCTCCGA[C>G]GGATCTGGAAGGGCCAGAGATGTGAGGGGCAGGGCCCCTACACTCCTCTGCTCTGTCCCC-3'
Protein context (NP_006021.2, residues 583-603): ELEDENKEEI[Arg593Pro]RSMIDGNKGH